The following is an entry in ClinVar:

ClinVar aggregate classification (germline): Uncertain significance (1 of 4 stars; one submission).

Submission:

GeneDx
Classification: Uncertain significance. Last evaluated: 2019-10-11. Review status: criteria provided, single submitter. Criteria: GeneDx Variant Classification Process June 2021. Collection method: clinical testing. Allele origin: germline. Affected: yes.
Comment: Not observed in large population cohorts (Lek et al., 2016); In silico analysis, which includes protein predictors and evolutionary conservation, supports a deleterious effect; Has not been previously published as pathogenic or benign to our knowledge

NM_001256545.2(MEGF10):c.1643A>T (p.Asp548Val)

Gene: MEGF10 (multiple EGF like domains 10; plus strand). Cytogenetic location: 5q23.2.
Variant type: single nucleotide variant.
Coding change: c.1643A>T on transcript NM_001256545.2 (MANE Select); coding-DNA position 1643, A replaced by T.
Protein change: p.Asp548Val; replaces aspartic acid 548 with valine.
Molecular consequence: missense variant.
Genome position (GRCh38, 1-based): chr5:127,422,722, A>T. VCF-style: chr5-127422722-A-T. GRCh37 (hg19) VCF-style: chr5-126758414-A-T.
Other names: c.1643A>T, p.Asp548Val (NM_001308119.2, NM_001308121.2, NM_032446.3); short protein forms D548V.
Identifiers: ClinVar variation 1308988 (VCV001308988.2), dbSNP rs1338867391, ClinGen allele CA360730569.
Genomic context (GRCh38, chr5:127,422,722, plus strand): 5'-CCATGCAGGATGGCACGTACGGGCTGAACTGTGCTGAGCGCTGCGACTGCAGCCACGCAG[A>T]TGGCTGCCACCCTACCACGGGCCATTGCCGCTGCCTCCCCGGATGGTCAGGTGAGAGCCA-3'
Protein context (NP_001243474.1, residues 538-558): CAERCDCSHA[Asp548Val]GCHPTTGHCR